The following is an entry in ClinVar:

ClinVar aggregate classification (germline): Uncertain significance. Review status: criteria provided, multiple submitters, no conflicts (2 of 4 stars). 2 submissions from 2 submitters: Uncertain significance (2). Last evaluated 2023-01-24.

Conditions:
DYRK1A-related intellectual disability syndrome (MRD7). Also called: DYRK1A Syndrome; Intellectual developmental disorder, autosomal dominant 7. Identifiers: Orphanet 464306, MedGen C5568143, MONDO:0013578, OMIM 614104.

Submissions (2):

Illumina Laboratory Services, Illumina
Classification: Uncertain significance for DYRK1A-related intellectual disability syndrome. Last evaluated: 2023-01-24. Review status: criteria provided, single submitter. Criteria: ICSLVariantClassificationCriteria RUGD 01 April 2020. Collection method: clinical testing. Allele origin: unknown.
Comment: The DYRK1A c.1099-6A>G variant occurs in a splice region and results in the substitution of an adenine at nucleotide position c.1099-6 with a guanine. This substitution is precited to act as a splice acceptor site, which may result in splicing defects. To our knowledge, this variant has not been reported in the peer-reviewed literature. The c.1099-6A>G variant is not found in version 2.1.1 or version 3.1.2 of the Genome Aggregation Database. This variant was identified in a de novo state. Based on the available evidence, the c.1099-6A>G variant is classified as a variant of uncertain significance for DYRK1A-related intellectual disability syndrome.

Victorian Clinical Genetics Services, Murdoch Childrens Research Institute
Classification: Uncertain significance for DYRK1A-related intellectual disability syndrome. Last evaluated: 2021-05-06. Review status: criteria provided, single submitter. Criteria: ACMG Guidelines, 2015. Collection method: clinical testing. Allele origin: germline. Inheritance: Autosomal dominant inheritance. Affected: yes.
Comment: Based on the classification scheme VCGS_Germline_v1.3.4, this variant is classified as VUS-3A. Following criteria are met: 0102 - Loss of function is a known mechanism of disease in this gene and is associated with intellectual disability 7 (MIM#614104). (I) 0107 - This gene is associated with autosomal dominant disease. (I) 0212 - Non-canonical splice site variant without proven consequence on splicing (no functional evidence available). (SP) 0251 - This variant is heterozygous. (I) 0301 - Variant is absent from gnomAD (both v2 and v3). (SP) 0311 - An alternative nucleotide change at the same nucleotide position is present in gnomAD (v2) (1 heterozygote, 0 homozygotes). (I) 0506 - Abnormal splicing is not predicted and nucleotide is poorly conserved. (SB) 0705 - No comparable non-canonical splice variants have previous evidence for pathogenicity. (I) 0807 - This variant has no previous evidence of pathogenicity. (I) 0905 - No published segregation evidence has been identified for this variant. (I) 1007 - No published functional evidence has been identified for this variant. (SP) Legend: (SP) - Supporting pathogenic, (I) - Information, (SB) - Supporting benign

NM_001347721.2(DYRK1A):c.1072-6A>G

Gene: DYRK1A (dual specificity tyrosine phosphorylation regulated kinase 1A; plus strand). Cytogenetic location: 21q22.13.
Variant type: single nucleotide variant.
Coding change: c.1072-6A>G on transcript NM_001347721.2 (MANE Select); 6 bases into the intron before coding-DNA position 1072, A replaced by G.
Molecular consequence: intron variant.
Genome position (GRCh38, 1-based): chr21:37,496,112, A>G. VCF-style: chr21-37496112-A-G. GRCh37 (hg19) VCF-style: chr21-38868414-A-G.
Other names: c.1099-6A>G (NM_001396.5, NM_101395.2, NM_130438.2); c.1072-6A>G (NM_001347722.2, NM_130436.2); c.985-6A>G (NM_001347723.2).
Identifiers: ClinVar variation 1805015 (VCV001805015.2), dbSNP rs761086810, ClinGen allele CA1139771232.